The following is an entry in ClinVar:

ClinVar aggregate classification (germline): Uncertain significance. Review status: criteria provided, multiple submitters, no conflicts (2 of 4 stars). 2 submissions from 2 submitters: Uncertain significance (2). Last evaluated 2025-05-04.

Conditions:
Inborn genetic diseases. Identifiers: MedGen C0950123, MeSH D030342.

Allele frequency attached by ClinVar (database versions not stated): gnomAD exomes 0.00002; ExAC 0.00003; TOPMed 0.00009; ESP Exome Variant Server 0.00015; gnomAD 0.00015.
gnomAD v4.1: 50 of 1,595,134 alleles (0.0031%); highest among the groups gnomAD compares: African/African-American, 0.04%; no homozygotes.

Submissions (2):

Ambry Genetics
Classification: Uncertain significance for Inborn genetic diseases. Last evaluated: 2025-05-04. Review status: criteria provided, single submitter. Criteria: Ambry Variant Classification Scheme 2023. Collection method: clinical testing. Allele origin: germline.

GeneDx
Classification: Uncertain significance. Last evaluated: 2022-11-28. Review status: criteria provided, single submitter. Criteria: GeneDx Variant Classification Process June 2021. Collection method: clinical testing. Allele origin: germline. Affected: yes.
Comment: In silico analysis supports that this missense variant does not alter protein structure/function; Has not been previously published as pathogenic or benign to our knowledge

NM_025265.4(TSEN2):c.656A>G (p.His219Arg)

Gene: TSEN2 (tRNA splicing endonuclease subunit 2; plus strand). Cytogenetic location: 3p25.2.
Variant type: single nucleotide variant.
Coding change: c.656A>G on transcript NM_025265.4 (MANE Select); coding-DNA position 656, A replaced by G.
Protein change: p.His219Arg; replaces histidine 219 with arginine.
Molecular consequence: missense variant. On other transcripts: non-coding transcript variant (1), intron variant (1).
Genome position (GRCh38, 1-based): chr3:12,503,609, A>G. VCF-style: chr3-12503609-A-G. GRCh37 (hg19) VCF-style: chr3-12545108-A-G.
Other names: c.656A>G, p.His219Arg (NM_001145392.2, NM_001145393.3, NM_001321277.2 and 2 more transcripts); c.517-38A>G (NM_001145394.2); short protein forms H219R.
Identifiers: ClinVar variation 2503162 (VCV002503162.2), dbSNP rs150208456, ClinGen allele CA2258562.